The following is an entry in ClinVar:

ClinVar aggregate classification (germline): Conflicting classifications of pathogenicity. Review status: criteria provided, conflicting classifications (1 of 4 stars). 7 submissions from 7 submitters: Uncertain significance (1); Benign (2); Likely benign (4). Last evaluated 2026-06-01.

Conditions:
Primary ciliary dyskinesia. Also called: Ciliary dyskinesia. Identifiers: Orphanet 244, MedGen C0008780, MONDO:0016575, HP:0012265.
Primary ciliary dyskinesia 7. Also called: CILIARY DYSKINESIA, PRIMARY, 7, WITH OR WITHOUT SITUS INVERSUS. Identifiers: Orphanet 244, MedGen C2678473, MONDO:0012748, OMIM 611884.

Allele frequency attached by ClinVar (database versions not stated): ESP Exome Variant Server 0.00290; TOPMed 0.00362; 1000 Genomes Project 30x 0.00390; 1000 Genomes Project 0.00399.
gnomAD v4.1: 2,600 of 1,613,914 alleles (0.16%); highest among the groups gnomAD compares: East Asian, 0.96%; 9 homozygotes.

Submissions (7):

CeGaT Center for Human Genetics Tuebingen
Classification: Likely benign. Last evaluated: 2026-06-01. Review status: criteria provided, single submitter. Criteria: CeGaT Center For Human Genetics Tuebingen Variant Classification Criteria Version 2. Collection method: clinical testing. Allele origin: germline. Affected: yes. Observed: 5 variant alleles.
Comment: DNAH11: BP4

Labcorp Genetics (formerly Invitae), Labcorp
Classification: Likely benign for Primary ciliary dyskinesia. Last evaluated: 2026-02-04. Review status: criteria provided, single submitter. Criteria: Invitae Variant Classification Sherloc (09022015). Collection method: clinical testing. Allele origin: germline.

Blueprint Genetics
Classification: Likely benign. Last evaluated: 2024-10-30. Review status: criteria provided, single submitter. Criteria: ACMG Guidelines, 2015. Collection method: clinical testing. Allele origin: germline.

Mayo Clinic Laboratories, Mayo Clinic
Classification: Benign. Last evaluated: 2024-08-07. Review status: criteria provided, single submitter. Criteria: ACMG Guidelines, 2015. Collection method: clinical testing. Allele origin: germline. Observed: 3 variant alleles.
Comment: BS1, BP4_strong

ARUP Laboratories, Molecular Genetics and Genomics, ARUP Laboratories
Classification: Likely benign for Primary ciliary dyskinesia 7. Last evaluated: 2024-03-08. Review status: criteria provided, single submitter. Criteria: ARUP Molecular Germline Variant Investigation Process 2024. Collection method: clinical testing. Allele origin: germline.

Baylor Genetics
Classification: Uncertain significance for Primary ciliary dyskinesia 7. Last evaluated: 2018-05-11. Review status: criteria provided, single submitter. Criteria: ACMG Guidelines, 2015. Collection method: clinical testing. Allele origin: unknown. Affected: yes.
Comment: This variant was determined to be of uncertain significance according to ACMG Guidelines, 2015 [PMID:25741868].

PreventionGenetics, part of Exact Sciences
Classification: Benign. Review status: criteria provided, single submitter. Criteria: ACMG Guidelines, 2015. Collection method: clinical testing. Allele origin: germline.

NM_001277115.2(DNAH11):c.8023A>G (p.Ile2675Val)

Gene: DNAH11 (dynein axonemal heavy chain 11; plus strand). Cytogenetic location: 7p15.3.
Variant type: single nucleotide variant.
Coding change: c.8023A>G on transcript NM_001277115.2 (MANE Select); coding-DNA position 8023, A replaced by G.
Protein change: p.Ile2675Val; replaces isoleucine 2675 with valine.
Molecular consequence: missense variant.
Genome position (GRCh38, 1-based): chr7:21,742,035, A>G. VCF-style: chr7-21742035-A-G. GRCh37 (hg19) VCF-style: chr7-21781653-A-G.
Other names: short protein forms I2675V.
Identifiers: ClinVar variation 257933 (VCV000257933.44), dbSNP rs72657364, ClinGen allele CA4181445.